The following is an entry in ClinVar:

NM_020988.3(GNAO1):c.692A>G (p.Tyr231Cys)

Gene: GNAO1 (G protein subunit alpha o1; plus strand). Cytogenetic location: 16q13.
Variant type: single nucleotide variant.
Coding change: c.692A>G on transcript NM_020988.3 (MANE Select); coding-DNA position 692, A replaced by G.
Protein change: p.Tyr231Cys; replaces tyrosine 231 with cysteine.
Molecular consequence: missense variant.
Genome position (GRCh38, 1-based): chr16:56,336,829, A>G. VCF-style: chr16-56336829-A-G. GRCh37 (hg19) VCF-style: chr16-56370741-A-G.
Other names: c.692A>G, p.Tyr231Cys (NM_138736.3); short protein forms Y231C.
Identifiers: ClinVar variation 374381 (VCV000374381.6), dbSNP rs1057518678, ClinGen allele CA16043691.

ClinVar aggregate classification (germline): Pathogenic. Review status: criteria provided, multiple submitters, no conflicts (2 of 4 stars). 4 submissions from 4 submitters: Pathogenic (2). 2 of the submissions do not count toward it. Last evaluated 2018-05-18.

Conditions:
Developmental and epileptic encephalopathy, 17 (DEE17). Also called: Early infantile epileptic encephalopathy 17. Identifiers: Orphanet 1934, MedGen C3809606, MONDO:0014199, OMIM 615473.
GNAO1-related disorder. Also called: GNAO1-related condition; GNAO1-Related Disorders. Identifiers: MedGen CN381308.
Neurodevelopmental disorder with involuntary movements (NEDIM). Identifiers: Orphanet 592564, MedGen C4479569, MONDO:0060491, OMIM 617493.

Submissions (4):

GeneDx
Classification: Pathogenic. Last evaluated: 2018-05-18. Review status: criteria provided, single submitter. Criteria: GeneDx Variant Classification (06012015). Collection method: clinical testing. Allele origin: germline. Affected: yes.
Comment: The Y231C variant in the GNAO1 gene has been reported as a de novo variant in multiple unrelated patients with early infantile epileptic encephalopathy (Talvik et al., 2015; Posey et al., 2017). Functional studies suggest that Y231C results in partial loss of function (Feng et al., 2017). The Y231C variant is not observed in large population cohorts (Lek et al., 2016). The Y231C variant is a non-conservative amino acid substitution, which is likely to impact secondary protein structure as these residues differ in polarity, charge, size and/or other properties. In-silico analyses, including protein predictors and evolutionary conservation, support a deleterious effect.

Blueprint Genetics
Classification: Pathogenic for GNAO1-related disorders. Last evaluated: 2017-09-20. Review status: criteria provided, single submitter. Criteria: ACMG Guidelines, 2015. Collection method: clinical testing. Allele origin: germline. Affected: yes. Observed: 1 variant allele.

Pediatric Department, Peking University First Hospital
Classification: Pathogenic for Developmental and epileptic encephalopathy, 17; Neurodevelopmental disorder with involuntary movements. Last evaluated: 2021-02-03. Review status: no assertion criteria provided. Collection method: clinical testing. Allele origin: de novo. Affected: yes. Not counted in ClinVar's aggregate classification.

Baylor Genetics
Classification: Likely pathogenic for Developmental and epileptic encephalopathy, 17. Last evaluated: 2015-02-06. Review status: no assertion criteria provided. Collection method: clinical testing. Allele origin: de novo. Inheritance: Autosomal dominant inheritance. Affected: yes. Observed: 2 variant alleles, 2 heterozygotes. Not counted in ClinVar's aggregate classification.

Literature cited by the submitters: PubMed 27072799 (cited by Pediatric Department, Peking University First Hospital); PubMed 30682224 (cited by Pediatric Department, Peking University First Hospital); PubMed 28503590 (cited by Pediatric Department, Peking University First Hospital).